The following is an entry in ClinVar:

NM_130384.3(ATRIP):c.2189T>C (p.Leu730Pro)

Genes: ATRIP (ATR interacting protein; plus strand), ATRIP-TREX1 (ATRIP-TREX1 readthrough; plus strand). Cytogenetic location: 3p21.31.
Variant type: single nucleotide variant.
Coding change: c.2189T>C on transcript NM_130384.3 (MANE Select); coding-DNA position 2189, T replaced by C.
Protein change: p.Leu730Pro; replaces leucine 730 with proline.
Molecular consequence: missense variant. On other transcripts: non-coding transcript variant (1).
Genome position (GRCh38, 1-based): chr3:48,464,964, T>C. VCF-style: chr3-48464964-T-C. GRCh37 (hg19) VCF-style: chr3-48506363-T-C.
Other names: c.1808T>C, p.Leu603Pro (NM_001271022.2); c.1910T>C, p.Leu637Pro (NM_001271023.2); c.2108T>C, p.Leu703Pro (NM_032166.4); short protein forms L603P, L703P, L637P, L730P.
Identifiers: ClinVar variation 4826281 (VCV004826281.1).

ClinVar aggregate classification (germline): Uncertain significance (1 of 4 stars; one submission).

Submission:

Ambry Genetics
Classification: Uncertain significance. Last evaluated: 2026-03-11. Review status: criteria provided, single submitter. Criteria: Ambry Variant Classification Scheme 2023. Collection method: clinical testing. Allele origin: germline.
Comment: The p.L730P variant (also known as c.2189T>C), located in coding exon 12 of the ATRIP gene, results from a T to C substitution at nucleotide position 2189. The leucine at codon 730 is replaced by proline, an amino acid with similar properties. This amino acid position is conserved. In addition, this alteration is predicted to be deleterious by in silico analysis. Based on the available evidence, the clinical significance of this variant remains unclear.